The following is an entry in ClinVar:

ClinVar aggregate classification (germline): Uncertain significance. Review status: criteria provided, multiple submitters, no conflicts (2 of 4 stars). 8 submissions from 8 submitters: Uncertain significance (6). 2 of the submissions do not count toward it. Last evaluated 2026-01-26.

Conditions:
FLNC-related disorder. Also called: FLNC-related condition; FLNC-related disorders.
Cardiovascular phenotype. Identifiers: MedGen CN230736.
Hypertrophic cardiomyopathy 26. Also called: Cardiomyopathy, familial hypertrophic, 26. Identifiers: Orphanet 75249, MedGen C4310749, MONDO:0014883, OMIM 617047.
Distal myopathy with posterior leg and anterior hand involvement. Also called: WILLIAMS DISTAL MYOPATHY. Identifiers: Orphanet 63273, MedGen C3279722, MONDO:0013550, OMIM 614065.
Myofibrillar myopathy 5. Also called: FILAMINOPATHY, AUTOSOMAL DOMINANT; Filaminopathy (type). Identifiers: Orphanet 171445, MedGen C1836050, MONDO:0012289, OMIM 609524.

Allele frequency attached by ClinVar (database versions not stated): gnomAD 0.00001 and 0.00002; gnomAD exomes 0.00002 and 0.00003; TOPMed 0.00002; ExAC 0.00004; 1000 Genomes Project 30x 0.00016.
gnomAD v4.1: 40 of 1,611,088 alleles (0.0025%); highest among the groups gnomAD compares: Middle Eastern, 0.017%; no homozygotes.

Submissions (8):

Labcorp Genetics (formerly Invitae), Labcorp
Classification: Uncertain significance for Distal myopathy with posterior leg and anterior hand involvement; Myofibrillar myopathy 5; Hypertrophic cardiomyopathy 26. Last evaluated: 2026-01-26. Review status: criteria provided, single submitter. Criteria: Invitae Variant Classification Sherloc (09022015). Collection method: clinical testing. Allele origin: germline.
Comment: This sequence change replaces threonine, which is neutral and polar, with methionine, which is neutral and non-polar, at codon 302 of the FLNC protein (p.Thr302Met). This variant is present in population databases (rs776362922, gnomAD 0.006%). This variant has not been reported in the literature in individuals affected with FLNC-related conditions. ClinVar contains an entry for this variant (Variation ID: 858685). Invitae Evidence Modeling of protein sequence and biophysical properties (such as structural, functional, and spatial information, amino acid conservation, physicochemical variation, residue mobility, and thermodynamic stability) has been performed for this missense variant. However, the output from this modeling did not meet the statistical confidence thresholds required to predict the impact of this variant on FLNC protein function. In summary, the available evidence is currently insufficient to determine the role of this variant in disease. Therefore, it has been classified as a Variant of Uncertain Significance.

PreventionGenetics, part of Exact Sciences
Classification: Uncertain significance for FLNC-related condition. Last evaluated: 2025-12-16. Review status: criteria provided, single submitter. Criteria: ACMG Guidelines, 2015. Collection method: clinical testing. Allele origin: germline.
Comment: The FLNC c.905C>T variant is predicted to result in the amino acid substitution p.Thr302Met. To our knowledge, this variant has not been reported in the literature. This variant is reported in 0.0056% of alleles in individuals of East Asian descent in gnomAD. Of note, a different variant impacting the same amino acid (p.Thr302Ala) was reported in an individual from a hypertrophic cardiomyopathy cohort (Oktay et al. 2023. PubMed ID: 37466024). At this time, the clinical significance of the c.905C>T (p.Thr302Met) variant is uncertain due to the absence of conclusive functional and genetic evidence.

Ambry Genetics
Classification: Uncertain significance for Cardiovascular phenotype. Last evaluated: 2025-09-03. Review status: criteria provided, single submitter. Criteria: Ambry Variant Classification Scheme 2023. Collection method: clinical testing. Allele origin: germline.
Comment: The p.T302M variant (also known as c.905C>T), located in coding exon 5 of the FLNC gene, results from a C to T substitution at nucleotide position 905. The threonine at codon 302 is replaced by methionine, an amino acid with similar properties. This amino acid position is highly conserved in available vertebrate species. In addition, this alteration is predicted to be deleterious by in silico analysis. Since supporting evidence is limited at this time, the clinical significance of this alteration remains unclear.

Revvity Omics, Revvity
Classification: Uncertain significance. Last evaluated: 2024-03-20. Review status: criteria provided, single submitter. Criteria: ACMG Guidelines, 2015. Collection method: clinical testing. Allele origin: germline.

GeneDx
Classification: Uncertain significance. Last evaluated: 2024-01-07. Review status: criteria provided, single submitter. Criteria: GeneDx Variant Classification Process June 2021. Collection method: clinical testing. Allele origin: germline. Affected: yes.
Comment: Has not been previously published as pathogenic or benign to our knowledge; In silico analysis, which includes protein predictors and evolutionary conservation, supports a deleterious effect

Fulgent Genetics
Classification: Uncertain significance for Myofibrillar myopathy 5; Distal myopathy with posterior leg and anterior hand involvement; Hypertrophic cardiomyopathy 26. Last evaluated: 2021-08-03. Review status: criteria provided, single submitter. Criteria: ACMG Guidelines, 2015. Collection method: clinical testing. Allele origin: unknown.

Clinical Genetics DNA and cytogenetics Diagnostics Lab, Erasmus MC, Erasmus Medical Center
Classification: Uncertain significance. Review status: no assertion criteria provided. Collection method: clinical testing. Allele origin: germline. Affected: yes. Study: VKGL Data-share Consensus. Not counted in ClinVar's aggregate classification.

Diagnostic Laboratory, Department of Genetics, University Medical Center Groningen
Classification: Uncertain significance. Review status: no assertion criteria provided. Collection method: clinical testing. Allele origin: germline. Affected: yes. Study: VKGL Data-share Consensus. Not counted in ClinVar's aggregate classification.

Literature cited by the submitters: PubMed 34535832 (cited by Ambry Genetics).

NM_001458.5(FLNC):c.905C>T (p.Thr302Met)

Gene: FLNC (filamin C; plus strand). Cytogenetic location: 7q32.1.
Variant type: single nucleotide variant.
Coding change: c.905C>T on transcript NM_001458.5 (MANE Select); coding-DNA position 905, C replaced by T.
Protein change: p.Thr302Met; replaces threonine 302 with methionine.
Molecular consequence: missense variant.
Genome position (GRCh38, 1-based): chr7:128,837,691, C>T. VCF-style: chr7-128837691-C-T. GRCh37 (hg19) VCF-style: chr7-128477745-C-T.
Other names: c.905C>T, p.Thr302Met (NM_001127487.2); short protein forms T302M.
Identifiers: ClinVar variation 858685 (VCV000858685.22), dbSNP rs776362922, ClinGen allele CA4474163.
Genomic context (GRCh38, chr7:128,837,691, plus strand): 5'-CCGTAGGCATCGAGCCACAGGGCAACACCGTGCTGCAGCCTGCCCACTTCACCGTGCAGA[C>T]GGTGGACGCGGGCGTGGGCGAGGTGCTGGTCTACATCGAGGACCCTGAAGGCCACACCGA-3'
Protein context (NP_001449.3, residues 292-312): VLQPAHFTVQ[Thr302Met]VDAGVGEVLV